The following is an entry in ClinVar:

ClinVar aggregate classification (germline): Uncertain significance (1 of 4 stars; one submission).

Allele frequency attached by ClinVar (database versions not stated): ESP Exome Variant Server 0.00008.
gnomAD v4.1: 6 of 1,608,128 alleles (0.00037%); highest among the groups gnomAD compares: Non-Finnish European, 0.00051%; no homozygotes.

Submission:

Labcorp Genetics (formerly Invitae), Labcorp
Classification: Uncertain significance. Last evaluated: 2022-10-24. Review status: criteria provided, single submitter. Criteria: Invitae Variant Classification Sherloc (09022015). Collection method: clinical testing. Allele origin: germline.
Comment: In summary, the available evidence is currently insufficient to determine the role of this variant in disease. Therefore, it has been classified as a Variant of Uncertain Significance. Advanced modeling of protein sequence and biophysical properties (such as structural, functional, and spatial information, amino acid conservation, physicochemical variation, residue mobility, and thermodynamic stability) performed at Invitae indicates that this missense variant is not expected to disrupt AK7 protein function. This variant has not been reported in the literature in individuals affected with AK7-related conditions. This variant is not present in population databases (gnomAD no frequency). This sequence change replaces arginine, which is basic and polar, with leucine, which is neutral and non-polar, at codon 108 of the AK7 protein (p.Arg108Leu).

NM_152327.5(AK7):c.323G>T (p.Arg108Leu)

Gene: AK7 (adenylate kinase 7; plus strand). Cytogenetic location: 14q32.2.
Variant type: single nucleotide variant.
Coding change: c.323G>T on transcript NM_152327.5 (MANE Select); coding-DNA position 323, G replaced by T.
Protein change: p.Arg108Leu; replaces arginine 108 with leucine.
Molecular consequence: missense variant.
Genome position (GRCh38, 1-based): chr14:96,404,785, G>T. VCF-style: chr14-96404785-G-T. GRCh37 (hg19) VCF-style: chr14-96871122-G-T.
Other names: c.323G>T, p.Arg108Leu (NM_001350888.2, NM_001350890.2, NM_001350891.2 and 1 more transcripts); short protein forms R108L.
Identifiers: ClinVar variation 2070337 (VCV002070337.4), dbSNP rs373883064, ClinGen allele CA266039057.